The following is an entry in ClinVar:

NM_006904.7(PRKDC):c.5038G>A (p.Ala1680Thr)

Gene: PRKDC (protein kinase, DNA-activated, catalytic subunit; minus strand). Cytogenetic location: 8q11.21.
Variant type: single nucleotide variant.
Coding change: c.5038G>A on transcript NM_006904.7 (MANE Select); coding-DNA position 5038, G replaced by A.
Protein change: p.Ala1680Thr; replaces alanine 1680 with threonine.
Molecular consequence: missense variant.
Genome position (GRCh38, 1-based): chr8:47,881,445, C>T on the plus strand (G>A on the coding strand, the complement: PRKDC is on the minus strand). VCF-style: chr8-47881445-C-T. GRCh37 (hg19) VCF-style: chr8-48794006-C-T.
Other names: c.5038G>A, p.Ala1680Thr (NM_001081640.2); short protein forms A1680T.
Identifiers: ClinVar variation 3646655 (VCV003646655.2).

ClinVar aggregate classification (germline): Uncertain significance (1 of 4 stars; one submission).

Conditions:
Severe combined immunodeficiency due to DNA-PKcs deficiency. Also called: IMMUNODEFICIENCY 26 WITH NEUROLOGIC ABNORMALITIES; Immunodeficiency 26 with or without neurologic abnormalities. Identifiers: Orphanet 317425, MedGen C4014833, MONDO:0014423, OMIM 615966.

Submission:

Labcorp Genetics (formerly Invitae), Labcorp
Classification: Uncertain significance for Severe combined immunodeficiency due to DNA-PKcs deficiency. Last evaluated: 2024-03-18. Review status: criteria provided, single submitter. Criteria: Invitae Variant Classification Sherloc (09022015). Collection method: clinical testing. Allele origin: germline.
Comment: This sequence change replaces alanine, which is neutral and non-polar, with threonine, which is neutral and polar, at codon 1680 of the PRKDC protein (p.Ala1680Thr). This variant is not present in population databases (gnomAD no frequency). This variant has not been reported in the literature in individuals affected with PRKDC-related conditions. Advanced modeling of protein sequence and biophysical properties (such as structural, functional, and spatial information, amino acid conservation, physicochemical variation, residue mobility, and thermodynamic stability) performed at Invitae indicates that this missense variant is not expected to disrupt PRKDC protein function with a negative predictive value of 80%. In summary, the available evidence is currently insufficient to determine the role of this variant in disease. Therefore, it has been classified as a Variant of Uncertain Significance.